The following is an entry in ClinVar:

NM_001429.4(EP300):c.4173-4A>G

Gene: EP300 (EP300 lysine acetyltransferase; plus strand). Cytogenetic location: 22q13.2.
Variant type: single nucleotide variant.
Coding change: c.4173-4A>G on transcript NM_001429.4 (MANE Select); 4 bases into the intron before coding-DNA position 4173, A replaced by G.
Molecular consequence: intron variant.
Genome position (GRCh38, 1-based): chr22:41,169,499, A>G. VCF-style: chr22-41169499-A-G. GRCh37 (hg19) VCF-style: chr22-41565503-A-G.
Other names: c.4173-4A>G (NM_001429.3); c.4095-4A>G (NM_001362843.2).
Identifiers: ClinVar variation 2741846 (VCV002741846.5), dbSNP rs1282680913, ClinGen allele CA639446186.
Genomic context (GRCh38, chr22:41,169,499, plus strand): 5'-AGTAAAGAACTCATTATGTGACCTGACTTTTTTTTTCCTCTTCATTTCTCTTCATTTTGT[A>G]TAGGAGAGTATACATATCTTACCTCGATAGTGTTCATTTCTTCCGTCCTAAATGCTTGAG-3'

ClinVar aggregate classification (germline): Likely benign. Review status: criteria provided, single submitter (1 of 4 stars). 2 submissions from 2 submitters: Likely benign (1). 1 of the submissions does not count toward it. Last evaluated 2023-10-03.

Conditions:
Rubinstein-Taybi syndrome due to EP300 haploinsufficiency. Also called: EP300-Related Rubinstein-Taybi Syndrome; RUBINSTEIN-TAYBI SYNDROME 2. Identifiers: Orphanet 353284, Orphanet 783, MedGen C3150941, MONDO:0013364, OMIM 613684.
EP300-related disorder. Also called: EP300-related disorders; EP300-related condition.

Allele frequency attached by ClinVar (database versions not stated): gnomAD exomes 0.00001.
gnomAD v4.1: 7 of 1,576,238 alleles (0.00044%); highest among the groups gnomAD compares: Non-Finnish European, 0.00061%; no homozygotes.

Submissions (2):

Labcorp Genetics (formerly Invitae), Labcorp
Classification: Likely benign for Rubinstein-Taybi syndrome due to EP300 haploinsufficiency. Last evaluated: 2023-10-03. Review status: criteria provided, single submitter. Criteria: Invitae Variant Classification Sherloc (09022015). Collection method: clinical testing. Allele origin: germline.

PreventionGenetics, part of Exact Sciences
Classification: Likely benign for EP300-related condition. Last evaluated: 2023-12-30. Review status: no assertion criteria provided. Collection method: clinical testing. Allele origin: germline. Not counted in ClinVar's aggregate classification.
Comment: This variant is classified as likely benign based on ACMG/AMP sequence variant interpretation guidelines (Richards et al. 2015 PMID: 25741868, with internal and published modifications).